The following is an entry in ClinVar:

ClinVar aggregate classification (germline): Uncertain significance (1 of 4 stars; one submission).

Conditions:
Long QT syndrome (LQTS). Identifiers: MedGen C0023976, MeSH D008133, MONDO:0002442. Disease mechanism: loss of function. Inheritance: Various modes of inheritance.

Submission:

All of Us Research Program, National Institutes of Health
Classification: Uncertain significance for Long QT syndrome. Last evaluated: 2024-03-05. Review status: criteria provided, single submitter. Criteria: ACMG Guidelines, 2015. Collection method: clinical testing. Allele origin: germline. Inheritance: Autosomal dominant inheritance. Observed: 1 variant allele, 1 heterozygote.
Comment: This study involves interpretation of variants in research participants for the purpose of population health screening. Participant phenotype was not available at the time of variant classification. Additional details can be found in publication PMID: 35346344, PMCID: PMC8962531

NM_000238.4(KCNH2):c.1A>C (p.Met1Leu)

Gene: KCNH2 (potassium voltage-gated channel subfamily H member 2; minus strand). Cytogenetic location: 7q36.1.
Variant type: single nucleotide variant.
Coding change: c.1A>C on transcript NM_000238.4 (MANE Select); coding-DNA position 1, A replaced by C.
Protein change: p.Met1Leu; changes the start codon (methionine 1).
Molecular consequence: missense variant, initiator codon variant. On other transcripts: non-coding transcript variant (1).
Genome position (GRCh38, 1-based): chr7:150,977,913, T>G on the plus strand (A>C on the coding strand, the complement: KCNH2 is on the minus strand). VCF-style: chr7-150977913-T-G. GRCh37 (hg19) VCF-style: chr7-150675001-T-G.
Other names: c.1A>C, p.Met1Leu (NM_172056.3); short protein forms M1L.
Identifiers: ClinVar variation 3386922 (VCV003386922.1).